The following is an entry in ClinVar:

ClinVar aggregate classification (germline): Uncertain significance. Review status: criteria provided, multiple submitters, no conflicts (2 of 4 stars). 2 submissions from 2 submitters: Uncertain significance (2). Last evaluated 2023-10-16.

Conditions:
Patterned macular dystrophy 2. Identifiers: Orphanet 99001, MedGen C1837029, MONDO:0012162, OMIM 608970.
Hereditary cancer-predisposing syndrome. Also called: Neoplastic Syndromes, Hereditary; Tumor predisposition; Hereditary Cancer Syndrome; Hereditary neoplastic syndrome. Identifiers: Orphanet 140162, MedGen C0027672, MeSH D009386, MONDO:0015356.

Allele frequency attached by ClinVar (database versions not stated): gnomAD exomes below 0.00001.
gnomAD v4.1: 5 of 1,613,812 alleles (0.00031%); highest among the groups gnomAD compares: African/African-American, 0.0027%; no homozygotes.

Submissions (2):

Baylor Genetics
Classification: Uncertain significance for Patterned macular dystrophy 2. Last evaluated: 2023-10-16. Review status: criteria provided, single submitter. Criteria: ACMG Guidelines, 2015. Collection method: clinical testing. Allele origin: unknown.

Ambry Genetics
Classification: Uncertain significance for Hereditary cancer-predisposing syndrome. Last evaluated: 2022-09-08. Review status: criteria provided, single submitter. Criteria: Ambry Variant Classification Scheme 2023. Collection method: clinical testing. Allele origin: germline.
Comment: The p.S744N variant (also known as c.2231G>A), located in coding exon 15 of the CTNNA1 gene, results from a G to A substitution at nucleotide position 2231. The serine at codon 744 is replaced by asparagine, an amino acid with highly similar properties. This amino acid position is conserved. In addition, this alteration is predicted to be tolerated by in silico analysis. Since supporting evidence is limited at this time, the clinical significance of this alteration remains unclear.

NM_001903.5(CTNNA1):c.2231G>A (p.Ser744Asn)

Gene: CTNNA1 (catenin alpha 1; plus strand). Cytogenetic location: 5q31.2.
Variant type: single nucleotide variant.
Coding change: c.2231G>A on transcript NM_001903.5 (MANE Select); coding-DNA position 2231, G replaced by A.
Protein change: p.Ser744Asn; replaces serine 744 with asparagine.
Molecular consequence: missense variant.
Genome position (GRCh38, 1-based): chr5:138,930,868, G>A. VCF-style: chr5-138930868-G-A. GRCh37 (hg19) VCF-style: chr5-138266557-G-A.
Other names: c.2231G>A, p.Ser744Asn (NM_001290307.3, NM_001323982.2, NM_001323983.1 and 2 more transcripts); c.1922G>A, p.Ser641Asn (NM_001290309.3); c.1862G>A, p.Ser621Asn (NM_001290310.3); c.1121G>A, p.Ser374Asn (NM_001290312.1, NM_001323987.1, NM_001323988.1 and 17 more transcripts); c.2138G>A, p.Ser713Asn (NM_001323986.2); c.782G>A, p.Ser261Asn (NM_001324006.1, NM_001324007.1, NM_001324008.1 and 2 more transcripts); c.1028G>A, p.Ser343Asn (NM_001324011.1); c.878G>A, p.Ser293Asn (NM_001324012.1, NM_001324013.1); short protein forms S261N, S293N, S713N, S744N, S641N, S343N, S374N, S621N.
Identifiers: ClinVar variation 1788121 (VCV001788121.3), dbSNP rs377649610, ClinGen allele CA128222255.